The following is an entry in ClinVar:

NM_003107.3(SOX4):c.1026C>A (p.Arg342=)

Gene: SOX4 (SRY-box transcription factor 4; plus strand). Cytogenetic location: 6p22.3.
Variant type: single nucleotide variant.
Coding change: c.1026C>A on transcript NM_003107.3 (MANE Select); coding-DNA position 1026, C replaced by A.
Protein change: p.Arg342=; no amino-acid change (arginine 342 retained).
Molecular consequence: synonymous variant.
Genome position (GRCh38, 1-based): chr6:21,595,560, C>A. VCF-style: chr6-21595560-C-A. GRCh37 (hg19) VCF-style: chr6-21595791-C-A.
Identifiers: ClinVar variation 2656281 (VCV002656281.24), dbSNP rs1356091191, ClinGen allele CA448962610.

ClinVar aggregate classification (germline): Likely benign (1 of 4 stars; one submission).

Allele frequency attached by ClinVar (database versions not stated): gnomAD 0.00001; gnomAD exomes 0.00001; TOPMed 0.00003.
gnomAD v4.1: 9 of 1,202,168 alleles (0.00075%); highest among the groups gnomAD compares: East Asian, 0.021%; no homozygotes.

Submission:

CeGaT Center for Human Genetics Tuebingen
Classification: Likely benign. Last evaluated: 2022-12-01. Review status: criteria provided, single submitter. Criteria: CeGaT Center For Human Genetics Tuebingen Variant Classification Criteria Version 2. Collection method: clinical testing. Allele origin: germline. Affected: yes. Observed: 1 variant allele.
Comment: SOX4: BP4, BP7